The following is an entry in ClinVar:

NM_004006.3(DMD):c.2061G>T (p.Thr687=)

Gene: DMD (dystrophin; minus strand). Cytogenetic location: Xp21.1.
Variant type: single nucleotide variant.
Coding change: c.2061G>T on transcript NM_004006.3 (MANE Select); coding-DNA position 2061, G replaced by T.
Protein change: p.Thr687=; no amino-acid change (threonine 687 retained).
Molecular consequence: synonymous variant.
Genome position (GRCh38, 1-based): chrX:32,545,266, C>A on the plus strand (G>T on the coding strand, the complement: DMD is on the minus strand). VCF-style: chrX-32545266-C-A. GRCh37 (hg19) VCF-style: chrX-32563383-C-A.
Other names: c.2037G>T, p.Thr679= (NM_000109.4); c.2049G>T, p.Thr683= (NM_004009.3); c.1692G>T, p.Thr564= (NM_004010.3).
Identifiers: ClinVar variation 388200 (VCV000388200.11), dbSNP rs1057523030, ClinGen allele CA16608845.

ClinVar aggregate classification (germline): Likely benign. Review status: criteria provided, multiple submitters, no conflicts (2 of 4 stars). 3 submissions from 3 submitters: Likely benign (3). Last evaluated 2024-06-09.

Conditions:
Duchenne muscular dystrophy (DMD). Also called: MUSCULAR DYSTROPHY, PSEUDOHYPERTROPHIC PROGRESSIVE, DUCHENNE TYPE; Duchenne Muscular Dystrophy (DMD). Identifiers: Orphanet 98896, MedGen C0013264, MONDO:0010679, OMIM 310200.
Cardiovascular phenotype. Identifiers: MedGen CN230736.

Allele frequency attached by ClinVar (database versions not stated): TOPMed 0.00002; gnomAD 0.00004.
gnomAD v4.1: 5 of 1,208,824 alleles (0.00041%); highest among the groups gnomAD compares: African/African-American, 0.0088%; no homozygotes.

Submissions (3):

Ambry Genetics
Classification: Likely benign for Cardiovascular phenotype. Last evaluated: 2024-06-09. Review status: criteria provided, single submitter. Criteria: Ambry Variant Classification Scheme 2023. Collection method: clinical testing. Allele origin: germline.

Labcorp Genetics (formerly Invitae), Labcorp
Classification: Likely benign for Duchenne muscular dystrophy. Last evaluated: 2024-05-06. Review status: criteria provided, single submitter. Criteria: Invitae Variant Classification Sherloc (09022015). Collection method: clinical testing. Allele origin: germline.

GeneDx
Classification: Likely benign. Last evaluated: 2016-08-04. Review status: criteria provided, single submitter. Criteria: GeneDx Variant Classification (06012015). Collection method: clinical testing. Allele origin: germline. Affected: yes.
Comment: This variant is considered likely benign or benign based on one or more of the following criteria: it is a conservative change, it occurs at a poorly conserved position in the protein, it is predicted to be benign by multiple in silico algorithms, and/or has population frequency not consistent with disease.